The following is an entry in ClinVar:

NM_001364905.1(LRBA):c.8205dup (p.Gln2736fs)

Gene: LRBA (LPS responsive beige-like anchor protein; minus strand). Cytogenetic location: 4q31.3.
Variant type: Duplication.
Coding change: c.8205dup on transcript NM_001364905.1 (MANE Select); coding-DNA position 8205, one base duplicated (T; older notation c.8205dupT).
Protein change: p.Gln2736fs; shifts the reading frame from glutamine 2736.
Molecular consequence: frameshift variant.
Genome position (GRCh38, 1-based): chr4:150,282,561, A duplicated on the plus strand (T on the coding strand, the reverse complement: LRBA is on the minus strand); the first of 2 consecutive A bases (chr4:150,282,561-150,282,562); duplicating either gives the same sequence. VCF-style (leftmost placement, unchanged base first): chr4-150282560-G-GA. GRCh37 (hg19) VCF-style: chr4-151203712-G-GA.
Other names: c.8201dup, p.Gln2735Serfs (NM_001199282.3); c.8220dup, p.Gln2741fs (NM_001367550.1); c.8237dup, p.Gln2747Serfs (NM_006726.5); short protein forms Q2741fs, Q2735fs, Q2747fs, Q2736fs.
Identifiers: ClinVar variation 2771474 (VCV002771474.3), dbSNP rs2545728179, ClinGen allele CA2697546961.

ClinVar aggregate classification (germline): Pathogenic (1 of 4 stars; one submission).

Conditions:
Combined immunodeficiency due to LRBA deficiency. Also called: Common variable immunodeficiency 8, with autoimmunity. Identifiers: Orphanet 445018, MedGen C3553512, MONDO:0013863, OMIM 614700.

Submission:

Labcorp Genetics (formerly Invitae), Labcorp
Classification: Pathogenic for Combined immunodeficiency due to LRBA deficiency. Last evaluated: 2023-10-23. Review status: criteria provided, single submitter. Criteria: Invitae Variant Classification Sherloc (09022015). Collection method: clinical testing. Allele origin: germline.
Comment: This sequence change creates a premature translational stop signal (p.Gln2747Serfs*13) in the LRBA gene. It is expected to result in an absent or disrupted protein product. Loss-of-function variants in LRBA are known to be pathogenic (PMID: 26206937, 26768763). This variant is not present in population databases (gnomAD no frequency). This variant has not been reported in the literature in individuals affected with LRBA-related conditions. For these reasons, this variant has been classified as Pathogenic.

Literature cited by the submitters: PubMed 26206937; PubMed 26768763.